The following is an entry in ClinVar:

NM_006150.5(PRICKLE3):c.1394C>T (p.Ala465Val)

Gene: PRICKLE3 (prickle planar cell polarity protein 3; minus strand). Cytogenetic location: Xp11.23.
Variant type: single nucleotide variant.
Coding change: c.1394C>T on transcript NM_006150.5 (MANE Select); coding-DNA position 1394, C replaced by T.
Protein change: p.Ala465Val; replaces alanine 465 with valine.
Molecular consequence: missense variant.
Genome position (GRCh38, 1-based): chrX:49,176,127, G>A on the plus strand (C>T on the coding strand, the complement: PRICKLE3 is on the minus strand). VCF-style: chrX-49176127-G-A. GRCh37 (hg19) VCF-style: chrX-49032476-G-A.
Other names: c.1190C>T, p.Ala397Val (NM_001307979.2); short protein forms A397V, A465V.
Identifiers: ClinVar variation 2660513 (VCV002660513.24), dbSNP rs200770385, ClinGen allele CA10409403.

ClinVar aggregate classification (germline): Likely benign (1 of 4 stars; one submission).

Allele frequency attached by ClinVar (database versions not stated): gnomAD 0.00006; gnomAD exomes 0.00006; ExAC 0.00010; TOPMed 0.00011.
gnomAD v4.1: 68 of 1,204,578 alleles (0.0056%); highest among the groups gnomAD compares: Middle Eastern, 0.046%; no homozygotes.

Submission:

CeGaT Center for Human Genetics Tuebingen
Classification: Likely benign. Last evaluated: 2022-12-01. Review status: criteria provided, single submitter. Criteria: CeGaT Center For Human Genetics Tuebingen Variant Classification Criteria Version 2. Collection method: clinical testing. Allele origin: germline. Affected: yes. Observed: 1 variant allele.
Comment: PRICKLE3: BS2